The following is an entry in ClinVar:

ClinVar aggregate classification (germline): Uncertain significance. Review status: criteria provided, multiple submitters, no conflicts (2 of 4 stars). 2 submissions from 2 submitters: Uncertain significance (2). Last evaluated 2025-09-02.

Conditions:
Inborn genetic diseases. Identifiers: MedGen C0950123, MeSH D030342.

Allele frequency attached by ClinVar (database versions not stated): gnomAD exomes below 0.00001; gnomAD 0.00001.
gnomAD v4.1: 8 of 1,588,324 alleles (0.0005%); highest among the groups gnomAD compares: African/African-American, 0.011%; no homozygotes.

Submissions (2):

Labcorp Genetics (formerly Invitae), Labcorp
Classification: Uncertain significance. Last evaluated: 2025-09-02. Review status: criteria provided, single submitter. Criteria: Invitae Variant Classification Sherloc (09022015). Collection method: clinical testing. Allele origin: germline.
Comment: This sequence change replaces lysine, which is basic and polar, with asparagine, which is neutral and polar, at codon 2389 of the PCLO protein (p.Lys2389Asn). This variant is present in population databases (rs774968490, gnomAD 0.008%). This variant has not been reported in the literature in individuals affected with PCLO-related conditions. ClinVar contains an entry for this variant (Variation ID: 1361833). Experimental studies and prediction algorithms are not available or were not evaluated, and the functional significance of this variant is currently unknown. In summary, the available evidence is currently insufficient to determine the role of this variant in disease. Therefore, it has been classified as a Variant of Uncertain Significance.

Ambry Genetics
Classification: Uncertain significance for Inborn genetic diseases. Last evaluated: 2025-03-27. Review status: criteria provided, single submitter. Criteria: Ambry Variant Classification Scheme 2023. Collection method: clinical testing. Allele origin: germline.

NM_033026.6(PCLO):c.7167A>T (p.Lys2389Asn)

Gene: PCLO (piccolo presynaptic cytomatrix protein; minus strand). Cytogenetic location: 7q21.11.
Variant type: single nucleotide variant.
Coding change: c.7167A>T on transcript NM_033026.6 (MANE Select); coding-DNA position 7167, A replaced by T.
Protein change: p.Lys2389Asn; replaces lysine 2389 with asparagine.
Molecular consequence: missense variant.
Genome position (GRCh38, 1-based): chr7:82,953,786, T>A on the plus strand (A>T on the coding strand, the complement: PCLO is on the minus strand). VCF-style: chr7-82953786-T-A. GRCh37 (hg19) VCF-style: chr7-82583102-T-A.
Other names: c.7167A>T, p.Lys2389Asn (NM_014510.3); c.7167A>T (NM_033026.5); short protein forms K2389N.
Identifiers: ClinVar variation 1361833 (VCV001361833.7), dbSNP rs774968490, ClinGen allele CA4320352.